The following is an entry in ClinVar:

ClinVar aggregate classification (germline): Uncertain significance (1 of 4 stars; one submission).

gnomAD v4.1: 1 of 1,614,226 alleles (0.000062%); highest among the groups gnomAD compares: Admixed American, 0.0017%; no homozygotes.

Submission:

Labcorp Genetics (formerly Invitae), Labcorp
Classification: Uncertain significance. Last evaluated: 2024-08-06. Review status: criteria provided, single submitter. Criteria: Invitae Variant Classification Sherloc (09022015). Collection method: clinical testing. Allele origin: germline.
Comment: This sequence change replaces methionine, which is neutral and non-polar, with isoleucine, which is neutral and non-polar, at codon 665 of the ROR2 protein (p.Met665Ile). This variant is present in population databases (rs763115397, gnomAD 0.003%). This variant has not been reported in the literature in individuals affected with ROR2-related conditions. Advanced modeling of protein sequence and biophysical properties (such as structural, functional, and spatial information, amino acid conservation, physicochemical variation, residue mobility, and thermodynamic stability) performed at Invitae indicates that this missense variant is not expected to disrupt ROR2 protein function with a negative predictive value of 80%. In summary, the available evidence is currently insufficient to determine the role of this variant in disease. Therefore, it has been classified as a Variant of Uncertain Significance.

NM_004560.4(ROR2):c.1995G>A (p.Met665Ile)

Gene: ROR2 (receptor tyrosine kinase like orphan receptor 2; minus strand). Cytogenetic location: 9q22.31.
Variant type: single nucleotide variant.
Coding change: c.1995G>A on transcript NM_004560.4 (MANE Select); coding-DNA position 1995, G replaced by A.
Protein change: p.Met665Ile; replaces methionine 665 with isoleucine.
Molecular consequence: missense variant.
Genome position (GRCh38, 1-based): chr9:91,724,499, C>T on the plus strand (G>A on the coding strand, the complement: ROR2 is on the minus strand). VCF-style: chr9-91724499-C-T. GRCh37 (hg19) VCF-style: chr9-94486781-C-T.
Other names: short protein forms M665I.
Identifiers: ClinVar variation 3695701 (VCV003695701.2).